The following is an entry in ClinVar:

NM_201384.3(PLEC):c.7619_7639del (p.Gln2540_Gln2546del)

Gene: PLEC (plectin; minus strand). Cytogenetic location: 8q24.3.
Variant type: Deletion.
Coding change: c.7619_7639del on transcript NM_201384.3 (MANE Select); coding-DNA positions 7619 to 7639, 21 bases deleted (AGATGGAGCAGGAACGGCAGC).
Protein change: p.Gln2540_Gln2546del.
Molecular consequence: inframe deletion. On other transcripts: inframe indel (1).
Genome position (GRCh38, 1-based): chr8:143,922,182-143,922,202, GCTGCCGTTCCTGCTCCATCT deleted on the plus strand (AGATGGAGCAGGAACGGCAGC on the coding strand, the reverse complement: PLEC is on the minus strand); deleting any 21 consecutive bases within chr8:143,922,182-143,922,207 gives the same sequence; the c. name uses the placement nearest the transcript's 3' end. VCF-style (leftmost placement, unchanged base first): chr8-143922181-CGCTGCCGTTCCTGCTCCATCT-C. GRCh37 (hg19) VCF-style: chr8-144996349-CGCTGCCGTTCCTGCTCCATCT-C.
Other names: c.7700_7720del, p.Gln2567_Gln2573del (NM_000445.5); c.4314_4334del21, p.Gln1440_Gln1446del (NM_001410941.1); c.7577_7597del, p.Gln2526_Gln2532del (NM_201378.4); c.7553_7573del, p.Gln2518_Gln2524del (NM_201379.3); c.8030_8050del, p.Gln2677_Gln2683del (NM_201380.4); c.7523_7543del, p.Gln2508_Gln2514del (NM_201381.3); c.7619_7639del, p.Gln2540_Gln2546del (NM_201382.4); c.7631_7651del, p.Gln2544_Gln2550del (NM_201383.3).
Identifiers: ClinVar variation 2196220 (VCV002196220.4), dbSNP rs1823029561, ClinGen allele CA913128654.

ClinVar aggregate classification (germline): Uncertain significance (1 of 4 stars; one submission).

Conditions:
Epidermolysis bullosa simplex with nail dystrophy (EBS5D). Identifiers: MedGen C4225309, MONDO:0014661, OMIM 616487.
Epidermolysis bullosa simplex 5B, with muscular dystrophy (EBS5B). Also called: EPIDERMOLYSIS BULLOSA SIMPLEX AND LIMB-GIRDLE MUSCULAR DYSTROPHY; Epidermolysis bullosa simplex with muscular dystrophy. Identifiers: Orphanet 257, MedGen C2931072, MONDO:0009181, OMIM 226670.
Epidermolysis bullosa simplex, Ogna type (EBS5A). Also called: Pidermolysis bullosa simplex 5A, Ogna type; EPIDERMOLYSIS BULLOSA SIMPLEX 5A, OGNA TYPE. Identifiers: Orphanet 79401, MedGen C0432317, MONDO:0007555, OMIM 131950.
Epidermolysis bullosa simplex 5C, with pyloric atresia (EBS5C). Also called: Epidermolysis bullosa simplex with pyloric atresia; PLEC-Related Epidermolysis Bullosa with Pyloric Atresia; PLEC1-Related Epidermolysis Bullosa with Pyloric Atresia. Identifiers: Orphanet 158684, MedGen C2677349, MONDO:0012807, OMIM 612138.
Autosomal recessive limb-girdle muscular dystrophy type 2Q (LGMDR17). Also called: MUSCULAR DYSTROPHY, LIMB-GIRDLE, AUTOSOMAL RECESSIVE 17. Identifiers: Orphanet 254361, MedGen C3150989, MONDO:0013390, OMIM 613723.

Submission:

Labcorp Genetics (formerly Invitae), Labcorp
Classification: Uncertain significance for Autosomal recessive limb-girdle muscular dystrophy type 2Q; Epidermolysis bullosa simplex, Ogna type; Epidermolysis bullosa simplex with nail dystrophy; Epidermolysis bullosa simplex 5C, with pyloric atresia; Epidermolysis bullosa simplex 5B, with muscular dystrophy. Last evaluated: 2025-10-02. Review status: criteria provided, single submitter. Criteria: Invitae Variant Classification Sherloc (09022015). Collection method: clinical testing. Allele origin: germline.
Comment: This variant, c.7700_7720del, results in the deletion of 7 amino acid(s) of the PLEC protein (p.Gln2567_Gln2573del), but otherwise preserves the integrity of the reading frame. This variant is not present in population databases (gnomAD no frequency). This variant has not been reported in the literature in individuals affected with PLEC-related conditions. ClinVar contains an entry for this variant (Variation ID: 2196220). Experimental studies and prediction algorithms are not available or were not evaluated, and the functional significance of this variant is currently unknown. In summary, the available evidence is currently insufficient to determine the role of this variant in disease. Therefore, it has been classified as a Variant of Uncertain Significance.